The following is an entry in ClinVar:

ClinVar aggregate classification (germline): Uncertain significance (1 of 4 stars; one submission).

Allele frequency attached by ClinVar (database versions not stated): gnomAD exomes below 0.00001.
gnomAD v4.1: 1 of 1,613,396 alleles (0.000062%); highest among the groups gnomAD compares: Non-Finnish European, 0.000085%; no homozygotes.

Submission:

Centre of Medical Genetics, University Hospital Muenster
Classification: Uncertain significance. Last evaluated: 2023-01-05. Review status: criteria provided, single submitter. Criteria: ACMG Guidelines, 2015. Collection method: clinical testing. Allele origin: unknown. Affected: yes. Observed: 1 variant allele, 1 heterozygote.
Comment: ACMG categories: PM2,PM5,PP3,BP1

NM_016604.4(KDM3B):c.4415G>A (p.Arg1472Gln)

Gene: KDM3B (lysine demethylase 3B; plus strand). Cytogenetic location: 5q31.2.
Variant type: single nucleotide variant.
Coding change: c.4415G>A on transcript NM_016604.4 (MANE Select); coding-DNA position 4415, G replaced by A.
Protein change: p.Arg1472Gln; replaces arginine 1472 with glutamine.
Molecular consequence: missense variant.
Genome position (GRCh38, 1-based): chr5:138,426,978, G>A. VCF-style: chr5-138426978-G-A. GRCh37 (hg19) VCF-style: chr5-137762667-G-A.
Other names: short protein forms R1472Q.
Identifiers: ClinVar variation 2430293 (VCV002430293.2), dbSNP rs2480321840, ClinGen allele CA361093313.